The following is an entry in ClinVar:

ClinVar aggregate classification (germline): Benign/Likely benign. Review status: criteria provided, multiple submitters, no conflicts (2 of 4 stars). 7 submissions from 6 submitters: Benign (3); Likely benign (3). 1 of the submissions does not count toward it. Last evaluated 2026-01-17.

Conditions:
Early-infantile DEE. Also called: Ohtahara syndrome; Early infantile epileptic encephalopathy; Early infantile epileptic encephalopathy with suppression bursts. Identifiers: Orphanet 1934, MedGen C0393706, MONDO:0800491.
Developmental and epileptic encephalopathy, 5 (DEE5). Identifiers: Orphanet 3451, MedGen C3150731, MONDO:0013277, OMIM 613477.

Submissions (7):

Labcorp Genetics (formerly Invitae), Labcorp
Classification: Likely benign for Early-infantile DEE. Last evaluated: 2026-01-17. Review status: criteria provided, single submitter. Criteria: Invitae Variant Classification Sherloc (09022015). Collection method: clinical testing. Allele origin: germline.

Blueprint Genetics
Classification: Benign. Last evaluated: 2024-10-23. Review status: criteria provided, single submitter. Criteria: ACMG Guidelines, 2015. Collection method: clinical testing. Allele origin: germline.

Genome-Nilou Lab
Classification: Benign for Developmental and epileptic encephalopathy, 5. Last evaluated: 2021-07-15. Review status: criteria provided, single submitter. Criteria: ACMG Guidelines, 2015. Collection method: clinical testing. Allele origin: germline. Affected: no.

Dubai Health Genomic Medicine Center, Dubai Health
Classification: Likely benign. Last evaluated: 2020-01-06. Review status: criteria provided, single submitter. Criteria: ACMG Guidelines, 2015. Collection method: clinical testing. Allele origin: germline. Affected: yes.

GeneDx
Classification: Benign. Last evaluated: 2014-04-11. Review status: criteria provided, single submitter. Criteria: GeneDx Variant Classification (06012015). Collection method: clinical testing. Allele origin: germline. Affected: yes.
Comment: The variant is found in EPILEPSY,INFANT-EPI panel(s).

Genetic Services Laboratory, University of Chicago
Classification: Likely benign. Last evaluated: 2013-10-07. Review status: criteria provided, single submitter. Criteria: ACMG Guidelines, 2007. Collection method: clinical testing. Allele origin: germline.

GeneDx
Classification: Benign. Last evaluated: 2014-04-22. Review status: flagged submission. Criteria: GeneDx Variant Classification (06012015). Collection method: clinical testing. Allele origin: germline. Affected: yes. Not counted in ClinVar's aggregate classification.
Comment: The variant is found in EPILEPSY panel(s).
ClinVar note: Reason: This record appears to be redundant with a more recent record from the same submitter.
ClinVar note: Notes: SCV000243088 appears to be redundant with SCV000243089.

NM_001130438.3(SPTAN1):c.3215+15_3215+16del

Gene: SPTAN1 (spectrin alpha, non-erythrocytic 1; plus strand). Cytogenetic location: 9q34.11.
Variant type: Microsatellite.
Coding change: c.3215+15_3215+16del on transcript NM_001130438.3 (MANE Select); bases 15 to 16 of the intron after coding-DNA position 3215, 2 bases deleted (AG; older notation c.3215+15_3215+16delAG).
Molecular consequence: intron variant.
Genome position (GRCh38, 1-based): chr9:128,593,057-128,593,058, AG deleted; deleting any 2 consecutive bases within chr9:128,593,054-128,593,058 gives the same sequence; the c. name uses the placement nearest the transcript's 3' end. VCF-style (leftmost placement, unchanged base first): chr9-128593053-TGA-T. GRCh37 (hg19) VCF-style: chr9-131355332-TGA-T.
Other names: c.3251+15_3251+16del (NM_001375318.1, NM_001375312.2); c.3215+15_3215+16del (NM_001375311.2, NM_001375310.1, NM_001363759.2 and 2 more transcripts); c.3156-1118_3156-1117del (NM_001375314.2, NM_001363765.2, NM_001195532.2).
Identifiers: ClinVar variation 207278 (VCV000207278.16), dbSNP rs551595039, ClinGen allele CA318594.